The following is an entry in ClinVar:

NM_001164508.2(NEB):c.20683-2A>C

Gene: NEB (nebulin; minus strand). Cytogenetic location: 2q23.3.
Variant type: single nucleotide variant.
Coding change: c.20683-2A>C on transcript NM_001164508.2 (MANE Select); the canonical splice acceptor site of the intron before coding-DNA position 20683, A replaced by C.
Molecular consequence: splice acceptor variant.
Genome position (GRCh38, 1-based): chr2:151,540,803, T>G on the plus strand (A>C on the coding strand, the complement: NEB is on the minus strand). VCF-style: chr2-151540803-T-G. GRCh37 (hg19) VCF-style: chr2-152397317-T-G.
Other names: c.15580-2A>C (NM_004543.5); c.20683-2A>C (NM_001164507.2, NM_001271208.2).
Identifiers: ClinVar variation 3239859 (VCV003239859.2), dbSNP rs2552157271.

ClinVar aggregate classification (germline): Likely pathogenic. Review status: criteria provided, multiple submitters, no conflicts (2 of 4 stars). 2 submissions from 2 submitters: Likely pathogenic (2). Last evaluated 2025-12-03.

Conditions:
Arthrogryposis multiplex congenita 6. Identifiers: MedGen C5543431, MONDO:0030281, OMIM 619334.
Nemaline myopathy 2 (NEM2). Also called: Nemaline myopathy 2, autosomal recessive. Identifiers: MedGen C1850569, MONDO:0009725, OMIM 256030.

Submissions (2):

Labcorp Genetics (formerly Invitae), Labcorp
Classification: Likely pathogenic for Nemaline myopathy 2. Last evaluated: 2025-12-03. Review status: criteria provided, single submitter. Criteria: Invitae Variant Classification Sherloc (09022015). Collection method: clinical testing. Allele origin: germline.
Comment: This sequence change affects an acceptor splice site in intron 136 of the NEB gene. It is expected to disrupt RNA splicing. Variants that disrupt the donor or acceptor splice site typically lead to a loss of protein function (PMID: 16199547), and loss-of-function variants in NEB are known to be pathogenic (PMID: 25205138). This variant is not present in population databases (gnomAD no frequency). This variant has not been reported in the literature in individuals affected with NEB-related conditions. ClinVar contains an entry for this variant (Variation ID: 3239859). Algorithms developed to predict the effect of sequence changes on RNA splicing suggest that this variant may disrupt the consensus splice site. In summary, the currently available evidence indicates that the variant is pathogenic, but additional data are needed to prove that conclusively. Therefore, this variant has been classified as Likely Pathogenic.

Baylor Genetics
Classification: Likely pathogenic for Arthrogryposis multiplex congenita 6. Last evaluated: 2024-03-17. Review status: criteria provided, single submitter. Criteria: ACMG Guidelines, 2015. Collection method: clinical testing. Allele origin: unknown.

Literature cited by the submitters: PubMed 16199547 (cited by Labcorp Genetics (formerly Invitae), Labcorp); PubMed 25205138 (cited by Labcorp Genetics (formerly Invitae), Labcorp).